The following is an entry in ClinVar:

NM_021619.3(PRDM12):c.767_790dup (p.Ser256_Arg263dup)

Gene: PRDM12 (PR/SET domain 12; plus strand). Cytogenetic location: 9q34.12.
Variant type: Duplication.
Coding change: c.767_790dup on transcript NM_021619.3 (MANE Select); coding-DNA positions 767 to 790, 24 bases duplicated (GCAACCTGCGCTCGCACATGCGCA).
Protein change: p.Ser256_Arg263dup.
Molecular consequence: inframe insertion.
Genome position (GRCh38, 1-based): chr9:130,681,332-130,681,355, GCAACCTGCGCTCGCACATGCGCA duplicated; duplicating any 24 consecutive bases within chr9:130,681,327-130,681,355 gives the same sequence; the c. name uses the placement nearest the transcript's 3' end. VCF-style (leftmost placement, unchanged base first): chr9-130681326-C-CGCGCAGCAACCTGCGCTCGCACAT. GRCh37 (hg19) VCF-style: chr9-133556713-C-CGCGCAGCAACCTGCGCTCGCACAT.
Identifiers: ClinVar variation 1346167 (VCV001346167.6), dbSNP rs2132608047, ClinGen allele CA2573144064.
Genomic context (GRCh38, chr9:130,681,326, plus strand): 5'-ACTCGGCGGCTGGCCCCGCGGGCCGCATGCGATGCGTCATCTGCCACCGCGGCTTCAACT[C>CGCGCAGCAACCTGCGCTCGCACAT]GCGCAGCAACCTGCGCTCGCACATGCGCATCCACACGCTGGACAAGCCCTTCGTGTGCCG-3'

ClinVar aggregate classification (germline): Uncertain significance (1 of 4 stars; one submission).

Conditions:
Congenital insensitivity to pain-hypohidrosis syndrome. Also called: HSAN VIII; Neuropathy, hereditary sensory and autonomic, type VIII. Identifiers: Orphanet 478664, MedGen C4225308, MONDO:0014662, OMIM 616488.

Submission:

Labcorp Genetics (formerly Invitae), Labcorp
Classification: Uncertain significance for Congenital insensitivity to pain-hypohidrosis syndrome. Last evaluated: 2021-08-15. Review status: criteria provided, single submitter. Criteria: Invitae Variant Classification Sherloc (09022015). Collection method: clinical testing. Allele origin: germline.
Comment: Algorithms developed to predict the effect of sequence changes on RNA splicing suggest that this variant may create or strengthen a splice site. In summary, the available evidence is currently insufficient to determine the role of this variant in disease. Therefore, it has been classified as a Variant of Uncertain Significance. Experimental studies and prediction algorithms are not available or were not evaluated, and the functional significance of this variant is currently unknown. This variant has not been reported in the literature in individuals affected with PRDM12-related conditions. This variant is not present in population databases (ExAC no frequency). This variant, c.767_790dup, results in the insertion of 8 amino acid(s) to the PRDM12 protein (p.Ser256_Arg263dup), but otherwise preserves the integrity of the reading frame.